The following is an entry in ClinVar:

ClinVar aggregate classification (germline): Uncertain significance. Review status: criteria provided, multiple submitters, no conflicts (2 of 4 stars). 3 submissions from 3 submitters: Uncertain significance (2). 1 of the submissions does not count toward it. Last evaluated 2024-03-29.

Conditions:
Glycogen storage disease due to muscle beta-enolase deficiency (GSD13). Also called: ENOLASE 3 DEFICIENCY; ENOLASE-BETA DEFICIENCY; GSD XIII; Glycogen Storage Disease Type XIII. Identifiers: Orphanet 99849, MedGen C2752027, MONDO:0013046, OMIM 612932.

Allele frequency attached by ClinVar (database versions not stated): ExAC 0.00001; gnomAD 0.00001 and 0.00002; gnomAD exomes 0.00002; TOPMed 0.00003.
gnomAD v4.1: 43 of 1,614,128 alleles (0.0027%); highest among the groups gnomAD compares: Middle Eastern, 0.049%; 1 homozygote.

Submissions (3):

Genomic Medicine Center of Excellence, King Faisal Specialist Hospital and Research Centre
Classification: Uncertain significance for Glycogen storage disease due to muscle beta-enolase deficiency. Last evaluated: 2024-03-29. Review status: criteria provided, single submitter. Criteria: ACMG Guidelines, 2015. Collection method: clinical testing. Allele origin: germline.

Labcorp Genetics (formerly Invitae), Labcorp
Classification: Uncertain significance for Glycogen storage disease due to muscle beta-enolase deficiency. Last evaluated: 2022-07-15. Review status: criteria provided, single submitter. Criteria: Invitae Variant Classification Sherloc (09022015). Collection method: clinical testing. Allele origin: germline.
Comment: This sequence change replaces glutamic acid, which is acidic and polar, with lysine, which is basic and polar, at codon 187 of the ENO3 protein (p.Glu187Lys). This variant is present in population databases (rs772218199, gnomAD 0.009%). This missense change has been observed in individual(s) with clinical features of glycogen storage disease type XIII (PMID: 25267339). ClinVar contains an entry for this variant (Variation ID: 1285633). Algorithms developed to predict the effect of missense changes on protein structure and function are either unavailable or do not agree on the potential impact of this missense change (SIFT: "Deleterious"; PolyPhen-2: "Probably Damaging"; Align-GVGD: "Class C0"). In summary, the available evidence is currently insufficient to determine the role of this variant in disease. Therefore, it has been classified as a Variant of Uncertain Significance.

OMIM
Classification: Pathogenic for GLYCOGEN STORAGE DISEASE XIII. Last evaluated: 2021-09-24. Review status: no assertion criteria provided. Collection method: literature only. Allele origin: germline. Not counted in ClinVar's aggregate classification.

Literature cited by the submitters: PubMed 25267339 (cited by Labcorp Genetics (formerly Invitae), Labcorp and OMIM); PubMed 31741825 (cited by OMIM).

NM_053013.4(ENO3):c.559G>A (p.Glu187Lys)

Gene: ENO3 (enolase 3; plus strand). Cytogenetic location: 17p13.2.
Variant type: single nucleotide variant.
Coding change: c.559G>A on transcript NM_053013.4 (MANE Select); coding-DNA position 559, G replaced by A.
Protein change: p.Glu187Lys; replaces glutamic acid 187 with lysine.
Molecular consequence: missense variant.
Genome position (GRCh38, 1-based): chr17:4,955,189, G>A. VCF-style: chr17-4955189-G-A. GRCh37 (hg19) VCF-style: chr17-4858484-G-A.
Other names: E187K; c.586G>A, p.Glu196Lys (NM_001374524.1); c.559G>A, p.Glu187Lys (NM_001976.5, NM_001374523.1); c.430G>A, p.Glu144Lys (NM_001193503.2); short protein forms E144K, E196K.
Identifiers: ClinVar variation 1285633 (VCV001285633.4), dbSNP rs772218199, ClinGen allele CA8316351.